The following is an entry in ClinVar:

ClinVar aggregate classification (germline): Uncertain significance (1 of 4 stars; one submission).

Conditions:
Lymphoproliferative syndrome 1 (LPFS1). Identifiers: Orphanet 238505, Orphanet 538963, MedGen C3552634, MONDO:0013081, OMIM 613011.

Allele frequency attached by ClinVar (database versions not stated): ExAC 0.00001; gnomAD 0.00003; 1000 Genomes Project 30x 0.00062; 1000 Genomes Project 0.00080.
gnomAD v4.1: 6 of 1,613,964 alleles (0.00037%); highest among the groups gnomAD compares: East Asian, 0.0089%; no homozygotes.

Submission:

Labcorp Genetics (formerly Invitae), Labcorp
Classification: Uncertain significance for Lymphoproliferative syndrome 1. Last evaluated: 2023-02-10. Review status: criteria provided, single submitter. Criteria: Invitae Variant Classification Sherloc (09022015). Collection method: clinical testing. Allele origin: germline.
Comment: This sequence change replaces isoleucine, which is neutral and non-polar, with leucine, which is neutral and non-polar, at codon 590 of the ITK protein (p.Ile590Leu). This variant is present in population databases (rs554375207, gnomAD 0.01%). This variant has not been reported in the literature in individuals affected with ITK-related conditions. Advanced modeling of protein sequence and biophysical properties (such as structural, functional, and spatial information, amino acid conservation, physicochemical variation, residue mobility, and thermodynamic stability) performed at Invitae indicates that this missense variant is not expected to disrupt ITK protein function. In summary, the available evidence is currently insufficient to determine the role of this variant in disease. Therefore, it has been classified as a Variant of Uncertain Significance.

NM_005546.4(ITK):c.1768A>C (p.Ile590Leu)

Gene: ITK (IL2 inducible T cell kinase; plus strand). Cytogenetic location: 5q33.3.
Variant type: single nucleotide variant.
Coding change: c.1768A>C on transcript NM_005546.4 (MANE Select); coding-DNA position 1768, A replaced by C.
Protein change: p.Ile590Leu; replaces isoleucine 590 with leucine.
Molecular consequence: missense variant.
Genome position (GRCh38, 1-based): chr5:157,248,984, A>C. VCF-style: chr5-157248984-A-C. GRCh37 (hg19) VCF-style: chr5-156675994-A-C.
Other names: short protein forms I590L.
Identifiers: ClinVar variation 2783262 (VCV002783262.3), dbSNP rs554375207, ClinGen allele CA3533189.